The following is an entry in ClinVar:

NM_006514.4(SCN10A):c.4869C>G (p.Ile1623Met)

Gene: SCN10A (sodium voltage-gated channel alpha subunit 10; minus strand). Cytogenetic location: 3p22.2.
Variant type: single nucleotide variant.
Coding change: c.4869C>G on transcript NM_006514.4 (MANE Select); coding-DNA position 4869, C replaced by G.
Protein change: p.Ile1623Met; replaces isoleucine 1623 with methionine.
Molecular consequence: missense variant.
Genome position (GRCh38, 1-based): chr3:38,698,351, G>C on the plus strand (C>G on the coding strand, the complement: SCN10A is on the minus strand). VCF-style: chr3-38698351-G-C. GRCh37 (hg19) VCF-style: chr3-38739842-G-C.
Other names: c.4866C>G, p.Ile1622Met (NM_001293306.2); c.4575C>G, p.Ile1525Met (NM_001293307.2); short protein forms I1525M, I1622M, I1623M.
Identifiers: ClinVar variation 2499811 (VCV002499811.1), dbSNP rs2470554565, ClinGen allele CA352155332.
Genomic context (GRCh38, chr3:38,698,351, plus strand): 5'-GTTGAACATGTCGTCGATGCCAGCCTCCCACCTCACATGGGGAAAGCTGGACATACCGAA[G>C]ATAGAGTAGATGAACATGACAAGGAATAGCAACAGCCCGATGTTGAAGAGGGCAGGCAGG-3'
Protein context (NP_006505.4, residues 1613-1633): LLFLVMFIYS[Ile1623Met]FGMSSFPHVR

ClinVar aggregate classification (germline): Uncertain significance (1 of 4 stars; one submission).

Submission:

GeneDx
Classification: Uncertain significance. Last evaluated: 2023-04-17. Review status: criteria provided, single submitter. Criteria: GeneDx Variant Classification Process June 2021. Collection method: clinical testing. Allele origin: germline. Affected: yes.
Comment: Has not been previously published as pathogenic or benign to our knowledge; Not observed in large population cohorts (gnomAD); In silico analysis supports that this missense variant has a deleterious effect on protein structure/function